The following is an entry in ClinVar:

ClinVar aggregate classification (germline): Conflicting classifications of pathogenicity. Review status: criteria provided, conflicting classifications (1 of 4 stars). 2 submissions from 2 submitters: Uncertain significance (1); Likely benign (1). Last evaluated 2025-07-16.

Conditions:
Cutis laxa, X-linked (OHS). Also called: Occipital horn syndrome; EDS IX. Identifiers: Orphanet 198, MedGen C0268353, MONDO:0010572, OMIM 304150.
Menkes kinky-hair syndrome (MNK). Also called: Copper transport disease; Menkes Disease; Classic Menkes Disease. Identifiers: Orphanet 565, MedGen C0022716, MONDO:0010651, OMIM 309400.
X-linked distal spinal muscular atrophy type 3. Also called: ATP7A-Related Distal Motor Neuropathy; SPINAL MUSCULAR ATROPHY, DISTAL, X-LINKED RECESSIVE; NEURONOPATHY, DISTAL HEREDITARY MOTOR, X-LINKED; NEUROPATHY, DISTAL HEREDITARY MOTOR, X-LINKED. Identifiers: Orphanet 139557, MedGen C1845359, MONDO:0010338, OMIM 300489.

Allele frequency attached by ClinVar (database versions not stated): TOPMed below 0.00001; gnomAD exomes below 0.00001.
gnomAD v4.1: 2 of 1,211,556 alleles (0.00017%); highest among the groups gnomAD compares: Admixed American, 0.0043%; no homozygotes.

Submissions (2):

Labcorp Genetics (formerly Invitae), Labcorp
Classification: Likely benign for X-linked distal spinal muscular atrophy type 3; Cutis laxa, X-linked; Menkes kinky-hair syndrome. Last evaluated: 2025-07-16. Review status: criteria provided, single submitter. Criteria: Invitae Variant Classification Sherloc (09022015). Collection method: clinical testing. Allele origin: germline.

GeneDx
Classification: Uncertain significance. Last evaluated: 2023-11-29. Review status: criteria provided, single submitter. Criteria: GeneDx Variant Classification Process June 2021. Collection method: clinical testing. Allele origin: germline. Affected: yes.
Comment: Has not been previously published as pathogenic or benign to our knowledge; Not observed at significant frequency in large population cohorts (gnomAD); In silico analysis supports that this missense variant has a deleterious effect on protein structure/function

NM_000052.7(ATP7A):c.2734A>G (p.Thr912Ala)

Gene: ATP7A (ATPase copper transporting alpha; plus strand). Cytogenetic location: Xq21.1.
Variant type: single nucleotide variant.
Coding change: c.2734A>G on transcript NM_000052.7 (MANE Select); coding-DNA position 2734, A replaced by G.
Protein change: p.Thr912Ala; replaces threonine 912 with alanine.
Molecular consequence: missense variant.
Genome position (GRCh38, 1-based): chrX:78,020,351, A>G. VCF-style: chrX-78020351-A-G. GRCh37 (hg19) VCF-style: chrX-77275848-A-G.
Other names: c.2500A>G, p.Thr834Ala (NM_001282224.2); c.2734A>G (NM_000052.4); short protein forms T912A, T834A.
Identifiers: ClinVar variation 2186917 (VCV002186917.5), dbSNP rs1250703588, ClinGen allele CA413602569.
Genomic context (GRCh38, chrX:78,020,351, plus strand): 5'-GGTTCCATTAACCAGAACGGGTCACTGCTTATCTGCGCAACACATGTTGGAGCAGACACA[A>G]CCCTTTCTCAAATTGTCAAACTTGTGGAAGAGGCACAAACATCAAAGGTAACTTAACTCC-3'
Protein context (NP_000043.4, residues 902-922): ICATHVGADT[Thr912Ala]LSQIVKLVEE